The following is an entry in ClinVar:

ClinVar aggregate classification (germline): Uncertain significance (1 of 4 stars; one submission).

Conditions:
Cardiovascular phenotype. Identifiers: MedGen CN230736.

Submission:

Ambry Genetics
Classification: Uncertain significance for Cardiovascular phenotype. Last evaluated: 2025-12-10. Review status: criteria provided, single submitter. Criteria: Ambry Variant Classification Scheme 2023. Collection method: clinical testing. Allele origin: germline.
Comment: The p.S3707N variant (also known as c.11120G>A), located in coding exon 2 of the ZNF469 gene, results from a G to A substitution at nucleotide position 11120. The serine at codon 3707 is replaced by asparagine, an amino acid with highly similar properties. This amino acid position is conserved. In addition, this alteration is predicted to be tolerated by in silico analysis. Based on the available evidence, the clinical significance of this variant remains unclear.

NM_001127464.1:c.11120G>A

Gene: ZNF469 (zinc finger protein 469; plus strand).
Variant type: single nucleotide variant.
Identifiers: ClinVar variation 4615432 (VCV004615432.1).